The following is an entry in ClinVar:

ClinVar aggregate classification (germline): Uncertain significance. Review status: criteria provided, multiple submitters, no conflicts (2 of 4 stars). 2 submissions from 2 submitters: Uncertain significance (2). Last evaluated 2023-07-07.

Conditions:
Inborn genetic diseases. Identifiers: MedGen C0950123, MeSH D030342.

Allele frequency attached by ClinVar (database versions not stated): gnomAD 0.00003.
gnomAD v4.1: 145 of 1,613,664 alleles (0.009%); highest among the groups gnomAD compares: South Asian, 0.15%; 1 homozygote.

Submissions (2):

Labcorp Genetics (formerly Invitae), Labcorp
Classification: Uncertain significance. Last evaluated: 2023-07-07. Review status: criteria provided, single submitter. Criteria: Invitae Variant Classification Sherloc (09022015). Collection method: clinical testing. Allele origin: germline.
Comment: In summary, the available evidence is currently insufficient to determine the role of this variant in disease. Therefore, it has been classified as a Variant of Uncertain Significance. Experimental studies and prediction algorithms are not available or were not evaluated, and the functional significance of this variant is currently unknown. ClinVar contains an entry for this variant (Variation ID: 2382916). This variant has not been reported in the literature in individuals affected with PTPN23-related conditions. This variant is present in population databases (rs150804434, gnomAD 0.1%). This sequence change replaces valine, which is neutral and non-polar, with leucine, which is neutral and non-polar, at codon 56 of the PTPN23 protein (p.Val56Leu).

Ambry Genetics
Classification: Uncertain significance for Inborn genetic diseases. Last evaluated: 2022-01-05. Review status: criteria provided, single submitter. Criteria: Ambry Variant Classification Scheme 2023. Collection method: clinical testing. Allele origin: germline.

NM_015466.4(PTPN23):c.166G>C (p.Val56Leu)

Gene: PTPN23 (protein tyrosine phosphatase non-receptor type 23; plus strand). Cytogenetic location: 3p21.31.
Variant type: single nucleotide variant.
Coding change: c.166G>C on transcript NM_015466.4 (MANE Select); coding-DNA position 166, G replaced by C.
Protein change: p.Val56Leu; replaces valine 56 with leucine.
Molecular consequence: missense variant. On other transcripts: intron variant (1).
Genome position (GRCh38, 1-based): chr3:47,404,658, G>C. VCF-style: chr3-47404658-G-C. GRCh37 (hg19) VCF-style: chr3-47446148-G-C.
Other names: c.-91-347G>C (NM_001304482.2); c.166G>C (NM_015466.2); short protein forms V56L.
Identifiers: ClinVar variation 2382916 (VCV002382916.6), dbSNP rs150804434, ClinGen allele CA2365239.